The following is an entry in ClinVar:

NM_001199107.2(TBC1D24):c.*3370C>T

Gene: TBC1D24 (TBC1 domain family member 24; plus strand). Cytogenetic location: 16p13.3.
Variant type: single nucleotide variant.
Coding change: c.*3370C>T on transcript NM_001199107.2 (MANE Select); 3370 bases downstream of the stop codon, C replaced by T.
Molecular consequence: 3 prime UTR variant.
Genome position (GRCh38, 1-based): chr16:2,504,328, C>T. VCF-style: chr16-2504328-C-T. GRCh37 (hg19) VCF-style: chr16-2554329-C-T.
Other names: c.*3370C>T (NM_020705.3).
Identifiers: ClinVar variation 885583 (VCV000885583.4), dbSNP rs79502522, ClinGen allele CA276810587.

ClinVar aggregate classification (germline): Likely benign (1 of 4 stars; one submission).

Conditions:
Familial infantile myoclonic epilepsy (FIME). Also called: TBC1D24-Related Familial Infantile Myoclonic Epilepsy (FIME); Epilepsy, Myoclonic, Infantile. Identifiers: Orphanet 352582, MedGen C0917800, MONDO:0011506, OMIM 605021.

Allele frequency attached by ClinVar (database versions not stated): gnomAD 0.00345 and 0.00360; TOPMed 0.00394; 1000 Genomes Project 0.00359; 1000 Genomes Project 30x 0.00468.

Submission:

Illumina Laboratory Services, Illumina
Classification: Likely benign for Familial infantile myoclonic epilepsy. Last evaluated: 2018-01-12. Review status: criteria provided, single submitter. Criteria: ICSL Variant Classification Criteria 13 December 2019. Collection method: clinical testing. Allele origin: germline.
Comment: This variant was observed in the ICSL laboratory as part of a predisposition screen in an ostensibly healthy population. It had not been previously curated by ICSL or reported in the Human Gene Mutation Database (HGMD: prior to June 1st, 2018), and was therefore a candidate for classification through an automated scoring system. Utilizing variant allele frequency, disease prevalence and penetrance estimates, and inheritance mode, an automated score was calculated to assess if this variant is too frequent to cause the disease. Based on the score and internal cut-off values, a variant classified as likely benign is not then subjected to further curation. The score for this variant resulted in a classification of likely benign for this disease.